The following is an entry in ClinVar:

NM_001166108.2(PALLD):c.1965-12544A>G

Gene: PALLD (palladin, cytoskeletal associated protein; plus strand). Cytogenetic location: 4q32.3.
Variant type: single nucleotide variant.
Coding change: c.1965-12544A>G on transcript NM_001166108.2 (MANE Select); 12544 bases into the intron before coding-DNA position 1965, A replaced by G.
Molecular consequence: intron variant. On other transcripts: missense variant (1).
Genome position (GRCh38, 1-based): chr4:168,878,378, A>G. VCF-style: chr4-168878378-A-G. GRCh37 (hg19) VCF-style: chr4-169799529-A-G.
Other names: c.487A>G, p.Lys163Glu (NM_001166110.2); c.1965-12544A>G (NM_016081.4); c.819-12544A>G (NM_001166109.2); c.-157-12544A>G (NM_001367570.1, NM_001367568.1, NM_001367567.1 and 1 more transcripts); c.487A>G (NM_001166110.1); short protein forms K163E.
Identifiers: ClinVar variation 1009918 (VCV001009918.10), dbSNP rs1244776142, ClinGen allele CA358796770.
Genomic context (GRCh38, chr4:168,878,378, plus strand): 5'-CTCAGCGCTCTGCTGCCCTCGCAGCCGCCGCCGGCGGCCGTCAACGCCCTGGGGCTGCCC[A>G]AGGGTGTCACCCCCGCGTGAGTAACCGCCGCGGTCCTCCACTTCCCTGCCCCTCCGCCTC-3'

ClinVar aggregate classification (germline): Uncertain significance. Review status: criteria provided, multiple submitters, no conflicts (2 of 4 stars). 2 submissions from 2 submitters: Uncertain significance (2). Last evaluated 2025-10-07.

Conditions:
Pancreatic adenocarcinoma. Identifiers: MedGen C0281361, MONDO:0006047, HP:0006725.

Allele frequency attached by ClinVar (database versions not stated): gnomAD 0.00001; TOPMed 0.00001.
gnomAD v4.1: 4 of 1,507,498 alleles (0.00027%); highest among the groups gnomAD compares: Non-Finnish European, 0.000088%; no homozygotes.

Submissions (2):

Ambry Genetics
Classification: Uncertain significance. Last evaluated: 2025-10-07. Review status: criteria provided, single submitter. Criteria: Ambry Variant Classification Scheme 2023. Collection method: clinical testing. Allele origin: germline.

Labcorp Genetics (formerly Invitae), Labcorp
Classification: Uncertain significance for Pancreatic adenocarcinoma. Last evaluated: 2020-01-08. Review status: criteria provided, single submitter. Criteria: Invitae Variant Classification Sherloc (09022015). Collection method: clinical testing. Allele origin: germline.
Comment: In summary, the available evidence is currently insufficient to determine the role of this variant in disease. Therefore, it has been classified as a Variant of Uncertain Significance. Algorithms developed to predict the effect of missense changes on protein structure and function are either unavailable or do not agree on the potential impact of this missense change (SIFT: "Deleterious"; PolyPhen-2: "Benign"; Align-GVGD: "Class C55"). This variant has not been reported in the literature in individuals with PALLD-related conditions. The frequency data for this variant in the population databases is considered unreliable, as metrics indicate insufficient coverage at this position in the ExAC database. This sequence change replaces lysine with glutamic acid at codon 163 of the PALLD protein (p.Lys163Glu). The lysine residue is highly conserved and there is a small physicochemical difference between lysine and glutamic acid.